The following is an entry in ClinVar:

ClinVar aggregate classification (germline): Pathogenic (1 of 4 stars; one submission).

Conditions:
Hereditary nonpolyposis colorectal neoplasms. Identifiers: MedGen C0009405, MeSH D003123.

Submission:

Labcorp Genetics (formerly Invitae), Labcorp
Classification: Pathogenic for Hereditary nonpolyposis colorectal neoplasms. Last evaluated: 2023-12-03. Review status: criteria provided, single submitter. Criteria: Invitae Variant Classification Sherloc (09022015). Collection method: clinical testing. Allele origin: unknown.
Comment: This variant is a gross deletion of the genomic region encompassing exon(s) 2-11 of the PMS2 gene. This variant would be expected to be in-frame, preserving the integrity of the reading frame. This variant has not been reported in the literature in individuals affected with PMS2-related conditions. Experimental studies and prediction algorithms are not available or were not evaluated, and the functional significance of this variant is currently unknown. This variant disrupts a region of the PMS2 protein in which other variant(s) (p.Gly72Glu) have been determined to be pathogenic (PMID: 27978560; Invitae). This suggests that this is a clinically significant region of the protein, and that variants that disrupt it are likely to be disease-causing. For these reasons, this variant has been classified as Pathogenic.

Literature cited by the submitters: PubMed 27978560.

NC_000007.13:g.(?_6026370)_(6045682_?)del

Gene: PMS2 (PMS1 homolog 2, mismatch repair system component; minus strand). Cytogenetic location: 7p22.1.
Variant type: Deletion.
Identifiers: ClinVar variation 3245652 (VCV003245652.1).